The following is an entry in ClinVar:

ClinVar aggregate classification (germline): Likely benign (1 of 4 stars; one submission).

Allele frequency attached by ClinVar (database versions not stated): gnomAD exomes 0.00001; ESP Exome Variant Server 0.00008; ExAC 0.00007; gnomAD 0.00003; TOPMed 0.00004.
gnomAD v4.1: 19 of 1,614,034 alleles (0.0012%); highest among the groups gnomAD compares: African/African-American, 0.008%; no homozygotes.

Submission:

CeGaT Center for Human Genetics Tuebingen
Classification: Likely benign. Last evaluated: 2024-02-01. Review status: criteria provided, single submitter. Criteria: CeGaT Center For Human Genetics Tuebingen Variant Classification Criteria Version 2. Collection method: clinical testing. Allele origin: germline. Affected: yes. Observed: 1 variant allele.
Comment: ACSM3: BP4, BP7

NM_005622.4(ACSM3):c.834G>A (p.Thr278=)

Genes: ACSM3 (acyl-CoA synthetase medium chain family member 3; plus strand), ERI2 (ERI1 exoribonuclease family member 2; minus strand). Cytogenetic location: 16p12.3.
Variant type: single nucleotide variant.
Coding change: c.834G>A on transcript NM_005622.4 (MANE Select); coding-DNA position 834, G replaced by A.
Protein change: p.Thr278=; no amino-acid change (threonine 278 retained).
Molecular consequence: synonymous variant. On other transcripts: intron variant (1).
Genome position (GRCh38, 1-based): chr16:20,781,025, G>A. VCF-style: chr16-20781025-G-A. GRCh37 (hg19) VCF-style: chr16-20792347-G-A.
Other names: c.834G>A, p.Thr278= (NM_202000.3); c.895-291C>T (NM_080663.3).
Identifiers: ClinVar variation 3026207 (VCV003026207.20), dbSNP rs143915869, ClinGen allele CA7943869.